The following is an entry in ClinVar:

NM_002292.4(LAMB2):c.794A>C (p.Glu265Ala)

Gene: LAMB2 (laminin subunit beta 2; minus strand). Cytogenetic location: 3p21.31.
Variant type: single nucleotide variant.
Coding change: c.794A>C on transcript NM_002292.4 (MANE Select); coding-DNA position 794, A replaced by C.
Protein change: p.Glu265Ala; replaces glutamic acid 265 with alanine.
Molecular consequence: missense variant.
Genome position (GRCh38, 1-based): chr3:49,131,071, T>G on the plus strand (A>C on the coding strand, the complement: LAMB2 is on the minus strand). VCF-style: chr3-49131071-T-G. GRCh37 (hg19) VCF-style: chr3-49168504-T-G.
Other names: short protein forms E265A.
Identifiers: ClinVar variation 638942 (VCV000638942.7), dbSNP rs903021924, ClinGen allele CA74488578.

ClinVar aggregate classification (germline): Uncertain significance. Review status: criteria provided, multiple submitters, no conflicts (2 of 4 stars). 2 submissions from 2 submitters: Uncertain significance (2). Last evaluated 2023-04-26.

Conditions:
Inborn genetic diseases. Identifiers: MedGen C0950123, MeSH D030342.
Pierson syndrome. Also called: MICROCORIA-CONGENITAL NEPHROTIC SYNDROME. Identifiers: Orphanet 2670, MedGen C1836876, MONDO:0012184, OMIM 609049.
LAMB2-related infantile-onset nephrotic syndrome. Also called: Nephrotic Syndrome, type 5; NEPHROTIC SYNDROME, TYPE 5, WITHOUT OCULAR ABNORMALITIES; NEPHROTIC SYNDROME, TYPE 5, WITH OCULAR ABNORMALITIES. Identifiers: Orphanet 306507, MedGen C3280113, MONDO:0013621, OMIM 614199.

Allele frequency attached by ClinVar (database versions not stated): gnomAD exomes below 0.00001.
gnomAD v4.1: 2 of 1,613,794 alleles (0.00012%); highest among the groups gnomAD compares: Non-Finnish European, 0.000085%; no homozygotes.

Submissions (2):

Ambry Genetics
Classification: Uncertain significance for Inborn genetic diseases. Last evaluated: 2023-04-26. Review status: criteria provided, single submitter. Criteria: Ambry Variant Classification Scheme 2023. Collection method: clinical testing. Allele origin: germline.

Labcorp Genetics (formerly Invitae), Labcorp
Classification: Uncertain significance for LAMB2-related infantile-onset nephrotic syndrome; Pierson syndrome. Last evaluated: 2018-12-05. Review status: criteria provided, single submitter. Criteria: Invitae Variant Classification Sherloc (09022015). Collection method: clinical testing. Allele origin: germline.
Comment: In summary, the available evidence is currently insufficient to determine the role of this variant in disease. Therefore, it has been classified as a Variant of Uncertain Significance. Algorithms developed to predict the effect of missense changes on protein structure and function (SIFT, PolyPhen-2, Align-GVGD) all suggest that this variant is likely to be disruptive, but these predictions have not been confirmed by published functional studies and their clinical significance is uncertain. This variant has not been reported in the literature in individuals with LAMB2-related conditions. This variant is not present in population databases (ExAC no frequency). This sequence change replaces glutamic acid with alanine at codon 265 of the LAMB2 protein (p.Glu265Ala). The glutamic acid residue is highly conserved and there is a moderate physicochemical difference between glutamic acid and alanine.